The following is an entry in ClinVar:

ClinVar aggregate classification (germline): Uncertain significance (1 of 4 stars; one submission).

Allele frequency attached by ClinVar (database versions not stated): TOPMed below 0.00001; gnomAD 0.00001.

Submission:

GeneDx
Classification: Uncertain significance. Last evaluated: 2022-10-03. Review status: criteria provided, single submitter. Criteria: GeneDx Variant Classification Process June 2021. Collection method: clinical testing. Allele origin: germline. Affected: yes.
Comment: Has not been previously published as pathogenic or benign to our knowledge; Not observed at significant frequency in large population cohorts (gnomAD); In silico analysis supports that this missense variant has a deleterious effect on protein structure/function

NM_001854.4(COL11A1):c.3580C>T (p.Pro1194Ser)

Gene: COL11A1 (collagen type XI alpha 1 chain; minus strand). Cytogenetic location: 1p21.1.
Variant type: single nucleotide variant.
Coding change: c.3580C>T on transcript NM_001854.4 (MANE Select); coding-DNA position 3580, C replaced by T.
Protein change: p.Pro1194Ser; replaces proline 1194 with serine.
Molecular consequence: missense variant. On other transcripts: non-coding transcript variant (1).
Genome position (GRCh38, 1-based): chr1:102,934,469, G>A on the plus strand (C>T on the coding strand, the complement: COL11A1 is on the minus strand). VCF-style: chr1-102934469-G-A. GRCh37 (hg19) VCF-style: chr1-103400025-G-A.
Other names: c.3232C>T, p.Pro1078Ser (NM_001168249.1, NM_080630.4); c.3463C>T, p.Pro1155Ser (NM_001190709.2); c.3616C>T, p.Pro1206Ser (NM_080629.3); short protein forms P1078S, P1155S, P1194S, P1206S.
Identifiers: ClinVar variation 2446485 (VCV002446485.1), dbSNP rs868128582, ClinGen allele CA27692170.